The following is an entry in ClinVar:

ClinVar aggregate classification (germline): Likely benign (1 of 4 stars; one submission).

Allele frequency attached by ClinVar (database versions not stated): 1000 Genomes Project 30x 0.00094; 1000 Genomes Project 0.00100.
gnomAD v4.1: 1,123 of 1,435,934 alleles (0.078%); highest among the groups gnomAD compares: Middle Eastern, 0.12%; 7 homozygotes.

Submission:

GeneDx
Classification: Likely benign. Last evaluated: 2021-11-11. Review status: criteria provided, single submitter. Criteria: GeneDx Variant Classification Process June 2021. Collection method: clinical testing. Allele origin: germline. Affected: yes.
Comment: See Variant Classification Assertion Criteria.

NM_001023.4(RPS20):c.-90G>T

Gene: RPS20 (ribosomal protein S20; minus strand). Cytogenetic location: 8q12.1.
Variant type: single nucleotide variant.
Coding change: c.-90G>T on transcript NM_001023.4 (MANE Select); 90 bases upstream of the start codon, G replaced by T.
Molecular consequence: 5 prime UTR variant.
Genome position (GRCh38, 1-based): chr8:56,074,473, C>A on the plus strand (G>T on the coding strand, the complement: RPS20 is on the minus strand). VCF-style: chr8-56074473-C-A. GRCh37 (hg19) VCF-style: chr8-56987032-C-A.
Other names: c.-90G>T (NM_001146227.3).
Identifiers: ClinVar variation 1693029 (VCV001693029.2), dbSNP rs139234535, ClinGen allele CA177251477.